The following is an entry in ClinVar:

ClinVar aggregate classification (germline): Uncertain significance (1 of 4 stars; one submission).

Conditions:
Hereditary spastic paraplegia 54. Also called: Spastic paraplegia 54, autosomal recessive. Identifiers: Orphanet 320380, MedGen C3539495, MONDO:0014018, OMIM 615033.

Submission:

Labcorp Genetics (formerly Invitae), Labcorp
Classification: Uncertain significance for Hereditary spastic paraplegia 54. Last evaluated: 2023-05-02. Review status: criteria provided, single submitter. Criteria: Invitae Variant Classification Sherloc (09022015). Collection method: clinical testing. Allele origin: germline.
Comment: In summary, the available evidence is currently insufficient to determine the role of this variant in disease. Therefore, it has been classified as a Variant of Uncertain Significance. Advanced modeling of protein sequence and biophysical properties (such as structural, functional, and spatial information, amino acid conservation, physicochemical variation, residue mobility, and thermodynamic stability) performed at Invitae indicates that this missense variant is expected to disrupt DDHD2 protein function. This variant has not been reported in the literature in individuals affected with DDHD2-related conditions. This variant is not present in population databases (gnomAD no frequency). This sequence change replaces cysteine, which is neutral and slightly polar, with phenylalanine, which is neutral and non-polar, at codon 113 of the DDHD2 protein (p.Cys113Phe).

NM_015214.3(DDHD2):c.338G>T (p.Cys113Phe)

Gene: DDHD2 (DDHD domain containing 2; plus strand). Cytogenetic location: 8p11.23.
Variant type: single nucleotide variant.
Coding change: c.338G>T on transcript NM_015214.3 (MANE Select); coding-DNA position 338, G replaced by T.
Protein change: p.Cys113Phe; replaces cysteine 113 with phenylalanine.
Molecular consequence: missense variant. On other transcripts: non-coding transcript variant (2).
Genome position (GRCh38, 1-based): chr8:38,234,511, G>T. VCF-style: chr8-38234511-G-T. GRCh37 (hg19) VCF-style: chr8-38092029-G-T.
Other names: c.338G>T, p.Cys113Phe (NM_001164232.2, NM_001164234.2, NM_001362911.2 and 3 more transcripts); short protein forms C113F.
Identifiers: ClinVar variation 2777957 (VCV002777957.3), dbSNP rs748280169, ClinGen allele CA370712578.